The following is an entry in ClinVar:

ClinVar aggregate classification (germline): Conflicting classifications of pathogenicity. Review status: criteria provided, conflicting classifications (1 of 4 stars). 6 submissions from 6 submitters: Uncertain significance (1); Likely benign (4). 1 of the submissions does not count toward it. Last evaluated 2025-07-01.

Conditions:
CDC14A-related disorder. Also called: CDC14A-related condition.
Inborn genetic diseases. Identifiers: MedGen C0950123, MeSH D030342.

Allele frequency attached by ClinVar (database versions not stated): gnomAD exomes 0.00010 and 0.00025; ExAC 0.00026; 1000 Genomes Project 30x 0.00047; 1000 Genomes Project 0.00060; ESP Exome Variant Server 0.00085; gnomAD 0.00105 and 0.00118; TOPMed 0.00127.
gnomAD v4.1: 323 of 1,614,182 alleles (0.02%); highest among the groups gnomAD compares: African/African-American, 0.37%; 1 homozygote.

Submissions (8):

Ambry Genetics
Classification: Uncertain significance for Inborn genetic diseases. Last evaluated: 2025-07-01. Review status: criteria provided, single submitter. Criteria: Ambry Variant Classification Scheme 2023. Collection method: clinical testing. Allele origin: germline.

Labcorp Genetics (formerly Invitae), Labcorp
Classification: Likely benign. Last evaluated: 2025-06-29. Review status: criteria provided, single submitter. Criteria: Invitae Variant Classification Sherloc (09022015). Collection method: clinical testing. Allele origin: germline.

Women's Health and Genetics/Laboratory Corporation of America, LabCorp
Classification: Likely benign. Last evaluated: 2024-04-01. Review status: criteria provided, single submitter. Criteria: LabCorp Variant Classification Summary - May 2015. Collection method: clinical testing. Allele origin: germline.
Comment: Variant summary: CDC14A c.1730C>T (p.Ala577Val) results in a non-conservative amino acid change in the encoded protein sequence. Three of five in-silico tools predict a benign effect of the variant on protein function. The variant allele was found at a frequency of 0.00025 in 251008 control chromosomes, predominantly at a frequency of 0.0036 within the African or African-American subpopulation in the gnomAD database. To our knowledge, no occurrence of c.1730C>T in individuals affected with Autosomal Recessive Nonsyndromic Hearing Loss 32 and no experimental evidence demonstrating its impact on protein function have been reported. ClinVar contains an entry for this variant (Variation ID: 1211962). Based on the evidence outlined above, the variant was classified as likely benign.

CeGaT Center for Human Genetics Tuebingen
Classification: Likely benign. Last evaluated: 2022-08-01. Review status: criteria provided, single submitter. Criteria: CeGaT Center For Human Genetics Tuebingen Variant Classification Criteria Version 2. Collection method: clinical testing. Allele origin: germline. Affected: yes. Observed: 1 variant allele.
Comment: CDC14A: BP4

GeneDx
Classification: Likely benign. Last evaluated: 2020-03-09. Review status: criteria provided, single submitter. Criteria: GeneDx Variant Classification Process June 2021. Collection method: clinical testing. Allele origin: germline. Affected: yes.

PreventionGenetics, part of Exact Sciences
Classification: Likely benign for CDC14A-related condition. Last evaluated: 2024-09-03. Review status: no assertion criteria provided. Collection method: clinical testing. Allele origin: germline. Not counted in ClinVar's aggregate classification.
Comment: This variant is classified as likely benign based on ACMG/AMP sequence variant interpretation guidelines (Richards et al. 2015 PMID: 25741868, with internal and published modifications).

Dr. Peter K. Rogan Lab, Western University
No classification provided (evidence only). Condition: Familial cancer of breast. Review status: no classification provided. Collection method: in vitro. Allele origin: not applicable. Functional consequence: retained intron. Not counted in ClinVar's aggregate classification.

Dr. Peter K. Rogan Lab, Western University
No classification provided (evidence only). Condition: Lung cancer. Review status: no classification provided. Collection method: in vitro. Allele origin: not applicable. Functional consequence: retained intron. Not counted in ClinVar's aggregate classification.

NM_003672.4(CDC14A):c.1730C>T (p.Ala577Val)

Gene: CDC14A (cell division cycle 14A; plus strand). Cytogenetic location: 1p21.2.
Variant type: single nucleotide variant.
Coding change: c.1730C>T on transcript NM_003672.4 (MANE Select); coding-DNA position 1730, C replaced by T.
Protein change: p.Ala577Val; replaces alanine 577 with valine.
Molecular consequence: missense variant.
Genome position (GRCh38, 1-based): chr1:100,499,237, C>T. VCF-style: chr1-100499237-C-T. GRCh37 (hg19) VCF-style: chr1-100964793-C-T.
Other names: c.1730C>T, p.Ala577Val (NM_001319210.2, NM_033312.3); c.1556C>T, p.Ala519Val (NM_001319211.2); c.851C>T, p.Ala284Val (NM_001319212.2); c.1730C>T (NM_033312.2); short protein forms A284V, A519V, A577V.
Identifiers: ClinVar variation 1211962 (VCV001211962.43), dbSNP rs112231082, ClinGen allele CA970967.